The following is an entry in ClinVar:

NM_001384474.1(LOXHD1):c.2913_2921del (p.Glu976_Glu978del)

Gene: LOXHD1 (lipoxygenase homology PLAT domains 1; minus strand). Cytogenetic location: 18q21.1.
Variant type: Deletion.
Coding change: c.2913_2921del on transcript NM_001384474.1 (MANE Select); coding-DNA positions 2913 to 2921, 9 bases deleted (AGAAGAGGA; older notation c.2913_2921delAGAAGAGGA).
Protein change: p.Glu976_Glu978del.
Molecular consequence: inframe deletion.
Genome position (GRCh38, 1-based): chr18:46,560,223-46,560,231, TCCTCTTCT deleted on the plus strand (AGAAGAGGA on the coding strand, the reverse complement: LOXHD1 is on the minus strand); deleting any 9 consecutive bases within chr18:46,560,223-46,560,234 gives the same sequence; the c. name uses the placement nearest the transcript's 3' end. VCF-style (leftmost placement, unchanged base first): chr18-46560222-CTCCTCTTCT-C. GRCh37 (hg19) VCF-style: chr18-44140185-CTCCTCTTCT-C.
Other names: c.2913_2921del9 (NM_144612.6); c.2913_2921del, p.Glu976_Glu978del (NM_144612.7).
Identifiers: ClinVar variation 522632 (VCV000522632.8), dbSNP rs753461629, ClinGen allele CA8952594.
Genomic context (GRCh38, chr18:46,560,222, plus strand): 5'-GGCTTCGAACTTGTGCTGCTCAATCACCTCCTGCATCCCCGGCCCAAACTCCTCCTCTTC[CTCCTCTTCT>C]TCCATCTCCTCCTCCTCTGACGAGGACTCCTCTGATGAGGACGACTCCTCTTCCTCCCCC-3'

ClinVar aggregate classification (germline): Conflicting classifications of pathogenicity. Review status: criteria provided, conflicting classifications (1 of 4 stars). 4 submissions from 4 submitters: Uncertain significance (2); Likely benign (2). Last evaluated 2026-08-05.

Conditions:
LOXHD1-related disorder. Also called: LOXHD1-related condition.
Autosomal recessive nonsyndromic hearing loss 77. Identifiers: Orphanet 90636, MedGen C2746083, MONDO:0013119, OMIM 613079.

Submissions (4):

PreventionGenetics, part of Exact Sciences
Classification: Likely benign for LOXHD1-related condition. Last evaluated: 2026-08-05. Review status: criteria provided, single submitter. Criteria: ACMG Guidelines, 2015. Collection method: clinical testing. Allele origin: germline.
Comment: This variant is classified as likely benign based on ACMG/AMP sequence variant interpretation guidelines (Richards et al. 2015 PMID: 25741868, with internal and published modifications).

Blueprint Genetics
Classification: Likely benign. Last evaluated: 2024-11-26. Review status: criteria provided, single submitter. Criteria: ACMG Guidelines, 2015. Collection method: clinical testing. Allele origin: germline.

Fulgent Genetics
Classification: Uncertain significance for Autosomal recessive nonsyndromic hearing loss 77. Last evaluated: 2021-12-13. Review status: criteria provided, single submitter. Criteria: ACMG Guidelines, 2015. Collection method: clinical testing. Allele origin: unknown.

Genomic Research Center, Shahid Beheshti University of Medical Sciences
Classification: Uncertain significance for Deafness, autosomal recessive 77. Last evaluated: 2019-04-06. Review status: criteria provided, single submitter. Criteria: ACMG Guidelines, 2015. Collection method: clinical testing. Allele origin: unknown. Affected: no. Observed: 1 variant allele.